The following is an entry in ClinVar:

NC_000020.10:g.(?_56993257)_(57967907_?)dup

Genes: APCDD1L (APC down-regulated 1 like; minus strand), STX16 (syntaxin 16; plus strand), VAPB (VAMP associated protein B and C; plus strand), GNAS-AS1 (GNAS antisense RNA 1; minus strand), TUBB1 (tubulin beta 1 class VI; plus strand) and 11 more. Cytogenetic location: 20q13.32.
Variant type: Duplication.
Identifiers: ClinVar variation 3248275 (VCV003248275.1).

ClinVar aggregate classification (germline): Uncertain significance (1 of 4 stars; one submission).

Conditions:
Amyotrophic lateral sclerosis type 8 (ALS8). Identifiers: Orphanet 803, MedGen C1837728, MONDO:0012077, OMIM 608627.
Adult-onset proximal spinal muscular atrophy, autosomal dominant. Also called: FINKEL LATE-ADULT TYPE SMA; Spinal muscular atrophy, late-onset, finkel type. Identifiers: Orphanet 209335, MedGen C1854058, MONDO:0008453, OMIM 182980.

Submission:

Labcorp Genetics (formerly Invitae), Labcorp
Classification: Uncertain significance for Adult-onset proximal spinal muscular atrophy, autosomal dominant; Amyotrophic lateral sclerosis type 8. Last evaluated: 2023-11-27. Review status: criteria provided, single submitter. Criteria: Invitae Variant Classification Sherloc (09022015). Collection method: clinical testing. Allele origin: unknown.
Comment: This variant results in a copy number gain of the genomic region encompassing exon(s) 2-6 of the VAPB gene. This region includes the termination codon of the gene. This copy number gain extends beyond the assayed region for this gene and therefore may encompass additional genes. As the precise location of this event is unknown, it may be in tandem or it may be located elsewhere in the genome. This variant has not been reported in the literature in individuals affected with VAPB-related conditions. In summary, the available evidence is currently insufficient to determine the role of this variant in disease. Therefore, it has been classified as a Variant of Uncertain Significance.